The following is an entry in ClinVar:

ClinVar aggregate classification (germline): Conflicting classifications of pathogenicity. Review status: criteria provided, conflicting classifications (1 of 4 stars). 2 submissions from 2 submitters: Uncertain significance (1); Likely benign (1). Last evaluated 2022-11-18.

Conditions:
Inborn genetic diseases. Identifiers: MedGen C0950123, MeSH D030342.

Allele frequency attached by ClinVar (database versions not stated): gnomAD 0.00002; TOPMed 0.00006; gnomAD exomes 0.00011 and 0.00023; ExAC 0.00016.
gnomAD v4.1: 72 of 1,613,420 alleles (0.0045%); highest among the groups gnomAD compares: Admixed American, 0.12%; no homozygotes.

Submissions (2):

Ambry Genetics
Classification: Likely benign for Inborn genetic diseases. Last evaluated: 2022-11-18. Review status: criteria provided, single submitter. Criteria: Ambry Variant Classification Scheme 2023. Collection method: clinical testing. Allele origin: germline.

Labcorp Genetics (formerly Invitae), Labcorp
Classification: Uncertain significance. Last evaluated: 2022-07-26. Review status: criteria provided, single submitter. Criteria: Invitae Variant Classification Sherloc (09022015). Collection method: clinical testing. Allele origin: germline.
Comment: This sequence change replaces lysine, which is basic and polar, with arginine, which is basic and polar, at codon 4317 of the PCLO protein (p.Lys4317Arg). This variant is present in population databases (rs751802785, gnomAD 0.2%). This variant has not been reported in the literature in individuals affected with PCLO-related conditions. ClinVar contains an entry for this variant (Variation ID: 1357053). Algorithms developed to predict the effect of missense changes on protein structure and function are either unavailable or do not agree on the potential impact of this missense change (SIFT: "Deleterious"; PolyPhen-2: "Not Available"; Align-GVGD: "Class C0"). In summary, the available evidence is currently insufficient to determine the role of this variant in disease. Therefore, it has been classified as a Variant of Uncertain Significance.

NM_033026.6(PCLO):c.12950A>G (p.Lys4317Arg)

Gene: PCLO (piccolo presynaptic cytomatrix protein; minus strand). Cytogenetic location: 7q21.11.
Variant type: single nucleotide variant.
Coding change: c.12950A>G on transcript NM_033026.6 (MANE Select); coding-DNA position 12950, A replaced by G.
Protein change: p.Lys4317Arg; replaces lysine 4317 with arginine.
Molecular consequence: missense variant.
Genome position (GRCh38, 1-based): chr7:82,915,036, T>C on the plus strand (A>G on the coding strand, the complement: PCLO is on the minus strand). VCF-style: chr7-82915036-T-C. GRCh37 (hg19) VCF-style: chr7-82544352-T-C.
Other names: c.12950A>G, p.Lys4317Arg (NM_014510.3); c.12950A>G (NM_033026.5); short protein forms K4317R.
Identifiers: ClinVar variation 1357053 (VCV001357053.4), dbSNP rs751802785, ClinGen allele CA4319276.